The following is an entry in ClinVar:

NM_018907.4(PCDHA4):c.2385+39447A>G

Genes: PCDHA1 (protocadherin alpha 1; plus strand), PCDHA2 (protocadherin alpha 2; plus strand), PCDHA3 (protocadherin alpha 3; plus strand), PCDHA4 (protocadherin alpha 4; plus strand), PCDHA5 (protocadherin alpha 5; plus strand) and 5 more. Cytogenetic location: 5q31.3.
Variant type: single nucleotide variant.
Coding change: c.2385+39447A>G on transcript NM_018907.4 (MANE Select); 39447 bases into the intron after coding-DNA position 2385, A replaced by G.
Molecular consequence: intron variant. On other transcripts: missense variant (2).
Genome position (GRCh38, 1-based): chr5:140,849,019, A>G. VCF-style: chr5-140849019-A-G. GRCh37 (hg19) VCF-style: chr5-140228604-A-G.
Other names: c.524A>G, p.Asn175Ser (NM_014005.5, NM_031857.2); c.2394+60335A>G (NM_018900.4); c.1602+61127A>G (NM_031411.3); c.2388+51667A>G (NM_018905.3); c.2394+45428A>G (NM_018906.3); c.2352+24892A>G (NM_018908.3); c.2394+18534A>G (NM_018909.4); c.1602+19326A>G (NM_031849.3); and 2 more; short protein forms N175S.
Identifiers: ClinVar variation 2655774 (VCV002655774.22), dbSNP rs144148683, ClinGen allele CA3450256.

ClinVar aggregate classification (germline): Likely benign (1 of 4 stars; one submission).

Allele frequency attached by ClinVar (database versions not stated): 1000 Genomes Project 30x 0.00172; gnomAD 0.00520; gnomAD exomes 0.00934.
gnomAD v4.1: 14,073 of 1,587,530 alleles (0.89%); highest among the groups gnomAD compares: Non-Finnish European, 1.1%; 240 homozygotes.

Submission:

CeGaT Center for Human Genetics Tuebingen
Classification: Likely benign. Last evaluated: 2023-03-01. Review status: criteria provided, single submitter. Criteria: CeGaT Center For Human Genetics Tuebingen Variant Classification Criteria Version 2. Collection method: clinical testing. Allele origin: germline. Affected: yes. Observed: 3 variant alleles.
Comment: PCDHA2: BS2; PCDHA3: BS2; PCDHA4: BS2; PCDHA5: BS2; PCDHA6: BS2; PCDHA7: BS2; PCDHA8: BS2; PCDHA9: BP4, BS2